The following is an entry in ClinVar:

ClinVar aggregate classification (germline): Uncertain significance (1 of 4 stars; one submission).

Allele frequency attached by ClinVar (database versions not stated): gnomAD exomes 0.00002; ExAC 0.00004; gnomAD 0.00004; TOPMed 0.00004; 1000 Genomes Project 0.00020; 1000 Genomes Project 30x 0.00031.
gnomAD v4.1: 42 of 1,607,124 alleles (0.0026%); highest among the groups gnomAD compares: Admixed American, 0.0033%; no homozygotes.

Submission:

Women's Health and Genetics/Laboratory Corporation of America, LabCorp
Classification: Uncertain significance. Last evaluated: 2024-02-27. Review status: criteria provided, single submitter. Criteria: LabCorp Variant Classification Summary - May 2015. Collection method: clinical testing. Allele origin: germline.
Comment: Variant summary: ANO6 c.748-8C>T alters a non-conserved nucleotide located close to a canonical splice site and therefore could affect mRNA splicing, leading to a significantly altered protein sequence. Consensus agreement among computation tools predict no significant impact on normal splicing. However, these predictions have yet to be confirmed by functional studies. The variant allele was found at a frequency of 3.2e-05 in 250464 control chromosomes. The available data on variant occurrences in the general population are insufficient to allow any conclusion about variant significance. To our knowledge, no occurrence of c.748-8C>T in individuals affected with Scott Syndrome and no experimental evidence demonstrating its impact on protein function have been reported. No submitters have cited clinical-significance assessments for this variant to ClinVar. Based on the evidence outlined above, the variant was classified as uncertain significance.

NM_001025356.3(ANO6):c.748-8C>T

Gene: ANO6 (anoctamin 6; plus strand). Cytogenetic location: 12q12.
Variant type: single nucleotide variant.
Coding change: c.748-8C>T on transcript NM_001025356.3 (MANE Select); 8 bases into the intron before coding-DNA position 748, C replaced by T.
Molecular consequence: intron variant.
Genome position (GRCh38, 1-based): chr12:45,350,651, C>T. VCF-style: chr12-45350651-C-T. GRCh37 (hg19) VCF-style: chr12-45744434-C-T.
Other names: c.748-8C>T (NM_001142679.2); c.811-8C>T (NM_001204803.2); c.715-8C>T (NM_001410973.1); c.694-8C>T (NM_001142678.2).
Identifiers: ClinVar variation 3068916 (VCV003068916.2), dbSNP rs75816509, ClinGen allele CA6525079.